The following is an entry in ClinVar:

NM_001374385.1(ATP8B1):c.-9G>T

Gene: ATP8B1 (ATPase phospholipid transporting 8B1; minus strand). Cytogenetic location: 18q21.31.
Variant type: single nucleotide variant.
Coding change: c.-9G>T on transcript NM_001374385.1 (MANE Select); 9 bases upstream of the start codon, G replaced by T.
Molecular consequence: 5 prime UTR variant.
Genome position (GRCh38, 1-based): chr18:57,731,816, C>A on the plus strand (G>T on the coding strand, the complement: ATP8B1 is on the minus strand). VCF-style: chr18-57731816-C-A. GRCh37 (hg19) VCF-style: chr18-55399048-C-A.
Other names: c.-61G>T (NM_001374386.1); c.-9G>T (NM_005603.6).
Identifiers: ClinVar variation 3028997 (VCV003028997.2), dbSNP rs774640897, ClinGen allele CA8974966.

ClinVar aggregate classification (germline): Likely benign (0 of 4 stars; one submission).

Conditions:
ATP8B1-related disorder. Also called: ATP8B1-related condition; ATP8B1-related disorders.

Allele frequency attached by ClinVar (database versions not stated): gnomAD exomes below 0.00001; ExAC 0.00002; TOPMed 0.00005; gnomAD 0.00007.
gnomAD v4.1: 12 of 1,613,868 alleles (0.00074%); highest among the groups gnomAD compares: African/African-American, 0.016%; no homozygotes.

Submission:

PreventionGenetics, part of Exact Sciences
Classification: Likely benign for ATP8B1-related condition. Last evaluated: 2022-12-21. Review status: no assertion criteria provided. Collection method: clinical testing. Allele origin: germline.
Comment: This variant is classified as likely benign based on ACMG/AMP sequence variant interpretation guidelines (Richards et al. 2015 PMID: 25741868, with internal and published modifications).